The following is an entry in ClinVar:

ClinVar aggregate classification (germline): Pathogenic. Review status: criteria provided, single submitter (1 of 4 stars). 3 submissions from 3 submitters: Pathogenic (1). 2 of the submissions do not count toward it. Last evaluated 2021-10-04.

Allele frequency attached by ClinVar (database versions not stated): 1000 Genomes Project 30x 0.00031; 1000 Genomes Project 0.00040; ExAC 0.00044; gnomAD 0.00048 and 0.00049.
gnomAD v4.1: 483 of 1,613,528 alleles (0.03%); highest among the groups gnomAD compares: Middle Eastern, 0.25%; 1 homozygote.

Submissions (3):

GeneDx
Classification: Pathogenic. Last evaluated: 2021-10-04. Review status: criteria provided, single submitter. Criteria: GeneDx Variant Classification Process June 2021. Collection method: clinical testing. Allele origin: germline. Affected: yes.
Comment: Has not been previously published as pathogenic or benign to our knowledge; Nonsense variant in the C-terminus predicted to result in protein truncation, as the last 2115 amino acids are lost, and other loss-of-function variants have been reported downstream (Stenson et al., 2014); This variant is associated with the following publications: (PMID: 25997159)

Clinical Genetics DNA and cytogenetics Diagnostics Lab, Erasmus MC, Erasmus Medical Center
Classification: Likely benign. Review status: no assertion criteria provided. Collection method: clinical testing. Allele origin: germline. Affected: yes. Study: VKGL Data-share Consensus. Not counted in ClinVar's aggregate classification.

Laboratory of Diagnostic Genome Analysis, Leiden University Medical Center (LUMC)
Classification: Likely benign. Review status: no assertion criteria provided. Collection method: clinical testing. Allele origin: germline. Affected: yes. Study: VKGL Data-share Consensus. Not counted in ClinVar's aggregate classification.

NM_002016.2(FLG):c.5840G>A (p.Trp1947Ter)

Genes: CCDST (cervical cancer associated DHX9 suppressive transcript; plus strand), FLG (filaggrin; minus strand). Cytogenetic location: 1q21.3.
Variant type: single nucleotide variant.
Coding change: c.5840G>A on transcript NM_002016.2 (MANE Select); coding-DNA position 5840, G replaced by A.
Protein change: p.Trp1947Ter; replaces tryptophan 1947 with a stop codon.
Molecular consequence: nonsense.
Genome position (GRCh38, 1-based): chr1:152,309,046, C>T on the plus strand (G>A on the coding strand, the complement: FLG is on the minus strand). VCF-style: chr1-152309046-C-T. GRCh37 (hg19) VCF-style: chr1-152281522-C-T.
Other names: short protein forms W1947*.
Identifiers: ClinVar variation 1217958 (VCV001217958.7), dbSNP rs560912365, ClinGen allele CA1105563.